The following is an entry in ClinVar:

NM_206933.4(USH2A):c.12457G>A (p.Ala4153Thr)

Gene: USH2A (usherin; minus strand). Cytogenetic location: 1q41.
Variant type: single nucleotide variant.
Coding change: c.12457G>A on transcript NM_206933.4 (MANE Select); coding-DNA position 12457, G replaced by A.
Protein change: p.Ala4153Thr; replaces alanine 4153 with threonine.
Molecular consequence: missense variant.
Genome position (GRCh38, 1-based): chr1:215,675,454, C>T on the plus strand (G>A on the coding strand, the complement: USH2A is on the minus strand). VCF-style: chr1-215675454-C-T. GRCh37 (hg19) VCF-style: chr1-215848796-C-T.
Other names: short protein forms A4153T.
Identifiers: ClinVar variation 1040713 (VCV001040713.4), dbSNP rs145531316, ClinGen allele CA1393462.

ClinVar aggregate classification (germline): Conflicting classifications of pathogenicity. Review status: criteria provided, conflicting classifications (1 of 4 stars). 3 submissions from 3 submitters: Likely pathogenic (1); Uncertain significance (1). 1 of the submissions does not count toward it. Last evaluated 2022-07-31.

Conditions:
USH2A-related disorder. Also called: USH2A-related condition; USH2A-related disorders. Identifiers: MedGen CN239332.
Usher syndrome type 2A. Also called: RETINAL DISEASE IN USHER SYNDROME TYPE IIA, MODIFIER OF; USHER SYNDROME, TYPE IIA. Identifiers: Orphanet 231178, Orphanet 886, MedGen C1848634, MONDO:0010169, OMIM 276901.

Allele frequency attached by ClinVar (database versions not stated): gnomAD exomes 0.00001 and 0.00004; ExAC 0.00002; gnomAD 0.00002; TOPMed 0.00003; ESP Exome Variant Server 0.00008.
gnomAD v4.1: 65 of 1,613,916 alleles (0.004%); highest among the groups gnomAD compares: Non-Finnish European, 0.0047%; no homozygotes.

Submissions (3):

Labcorp Genetics (formerly Invitae), Labcorp
Classification: Uncertain significance. Last evaluated: 2022-07-31. Review status: criteria provided, single submitter. Criteria: Invitae Variant Classification Sherloc (09022015). Collection method: clinical testing. Allele origin: germline.
Comment: This sequence change replaces alanine, which is neutral and non-polar, with threonine, which is neutral and polar, at codon 4153 of the USH2A protein (p.Ala4153Thr). The frequency data for this variant in the population databases is considered unreliable, as metrics indicate poor data quality at this position in the gnomAD database. This missense change has been observed in individual(s) with Usher syndrome (PMID: 22135276). ClinVar contains an entry for this variant (Variation ID: 1040713). Algorithms developed to predict the effect of missense changes on protein structure and function are either unavailable or do not agree on the potential impact of this missense change (SIFT: "Deleterious"; PolyPhen-2: "Benign"; Align-GVGD: "Class C55"). In summary, the available evidence is currently insufficient to determine the role of this variant in disease. Therefore, it has been classified as a Variant of Uncertain Significance.

Blueprint Genetics
Classification: Likely pathogenic for USH2A-related disorders. Last evaluated: 2021-04-08. Review status: criteria provided, single submitter. Criteria: ACMG Guidelines, 2015. Collection method: clinical testing. Allele origin: germline. Affected: yes. Observed: 3 variant alleles.

Natera, Inc.
Classification: Uncertain significance for Usher syndrome type 2A. Last evaluated: 2020-10-09. Review status: no assertion criteria provided. Collection method: clinical testing. Allele origin: germline. Not counted in ClinVar's aggregate classification.

Literature cited by the submitters: PubMed 22135276 (cited by Labcorp Genetics (formerly Invitae), Labcorp).